The following is an entry in ClinVar:

NM_000540.3(RYR1):c.14678G>C (p.Arg4893Pro)

Gene: RYR1 (ryanodine receptor 1; plus strand). Cytogenetic location: 19q13.2.
Variant type: single nucleotide variant.
Coding change: c.14678G>C on transcript NM_000540.3 (MANE Select); coding-DNA position 14678, G replaced by C.
Protein change: p.Arg4893Pro; replaces arginine 4893 with proline.
Molecular consequence: missense variant.
Genome position (GRCh38, 1-based): chr19:38,584,974, G>C. VCF-style: chr19-38584974-G-C. GRCh37 (hg19) VCF-style: chr19-39075614-G-C.
Other names: c.14663G>C, p.Arg4888Pro (NM_001042723.2); short protein forms R4893P, R4888P.
Identifiers: ClinVar variation 65987 (VCV000065987.3), dbSNP rs118192151, ClinGen allele CA024223.

ClinVar aggregate classification (germline): Pathogenic. Review status: no assertion criteria provided (0 of 4 stars). 2 submissions from 2 submitters: Pathogenic (1). 1 of the submissions does not count toward it. Last evaluated 2010-05-11.

Conditions:
Central core myopathy (CMYO1A). Also called: Central core disease; Myopathy, central fibrillar; CONGENITAL MYOPATHY 1A, AUTOSOMAL DOMINANT, WITH SUSCEPTIBILITY TO MALIGNANT HYPERTHERMIA. Identifiers: Orphanet 597, MedGen C5830701, MONDO:0007294, OMIM 117000.

Submissions (2):

GeneReviews
Classification: Pathogenic for Central Core Disease. Last evaluated: 2010-05-11. Review status: no assertion criteria provided. Collection method: curation. Allele origin: unknown.
ClinVar note: Converted during submission from pathologic to Pathogenic.

RYR1 database
No classification provided. Review status: no classification provided. Collection method: not provided. Allele origin: unknown. Not counted in ClinVar's aggregate classification.